The following is an entry in ClinVar:

ClinVar aggregate classification (germline): Uncertain significance (1 of 4 stars; one submission).

Submission:

GeneDx
Classification: Uncertain significance. Last evaluated: 2024-11-11. Review status: criteria provided, single submitter. Criteria: GeneDx Variant Classification Process June 2021. Collection method: clinical testing. Allele origin: germline. Affected: yes.
Comment: Not observed at significant frequency in large population cohorts (gnomAD); In silico analysis supports that this missense variant has a deleterious effect on protein structure/function; Has not been previously published as pathogenic or benign to our knowledge

NM_001375380.1(EBF3):c.1013G>T (p.Gly338Val)

Genes: EBF3 (EBF transcription factor 3; minus strand), EBF3-AS1 (EBF3 antisense RNA 1; plus strand). Cytogenetic location: 10q26.3.
Variant type: single nucleotide variant.
Coding change: c.1013G>T on transcript NM_001375380.1 (MANE Select); coding-DNA position 1013, G replaced by T.
Protein change: p.Gly338Val; replaces glycine 338 with valine.
Molecular consequence: missense variant.
Genome position (GRCh38, 1-based): chr10:129,867,167, C>A on the plus strand (G>T on the coding strand, the complement: EBF3 is on the minus strand). VCF-style: chr10-129867167-C-A. GRCh37 (hg19) VCF-style: chr10-131665431-C-A.
Other names: c.986G>T, p.Gly329Val (NM_001005463.3, NM_001375390.1, NM_001375392.1); c.1013G>T, p.Gly338Val (NM_001375379.1, NM_001375389.1, NM_001375391.1); short protein forms G329V, G338V.
Identifiers: ClinVar variation 2579378 (VCV002579378.2), dbSNP rs2493980504, ClinGen allele CA378724840.